The following is an entry in ClinVar:

ClinVar aggregate classification (germline): Likely benign (1 of 4 stars; one submission).

Conditions:
SEMA3B-related disorder. Also called: SEMA3B-related condition.

Allele frequency attached by ClinVar (database versions not stated): gnomAD 0.00001; gnomAD exomes 0.00001; ExAC 0.00002; TOPMed 0.00002.
gnomAD v4.1: 11 of 1,612,100 alleles (0.00068%); highest among the groups gnomAD compares: African/African-American, 0.0027%; no homozygotes.

Submission:

PreventionGenetics, part of Exact Sciences
Classification: Likely benign for SEMA3B-related condition. Last evaluated: 2026-07-14. Review status: criteria provided, single submitter. Criteria: ACMG Guidelines, 2015. Collection method: clinical testing. Allele origin: germline.
Comment: This variant is classified as likely benign based on ACMG/AMP sequence variant interpretation guidelines (Richards et al. 2015 PMID: 25741868, with internal and published modifications).

NM_001290060.2(SEMA3B):c.213C>T (p.Ala71=)

Gene: SEMA3B (semaphorin 3B; plus strand). Cytogenetic location: 3p21.31.
Variant type: single nucleotide variant.
Coding change: c.213C>T on transcript NM_001290060.2 (MANE Select); coding-DNA position 213, C replaced by T.
Protein change: p.Ala71=; no amino-acid change (alanine 71 retained).
Molecular consequence: synonymous variant.
Genome position (GRCh38, 1-based): chr3:50,270,230, C>T. VCF-style: chr3-50270230-C-T. GRCh37 (hg19) VCF-style: chr3-50307661-C-T.
Other names: c.213C>T, p.Ala71= (NM_001005914.3, NM_001290061.1, NM_004636.4).
Identifiers: ClinVar variation 3054981 (VCV003054981.3), dbSNP rs781898750, ClinGen allele CA2413675.